The following is an entry in ClinVar:

ClinVar aggregate classification (germline): Uncertain significance (1 of 4 stars; one submission).

Conditions:
Familial cancer of breast. Also called: BREAST CANCER, FAMILIAL; Hereditary breast cancer; hereditary breast carcinoma. Identifiers: Orphanet 227535, MedGen C0346153, MONDO:0016419, OMIM 114480. Disease mechanism: loss of function.

Submission:

Labcorp Genetics (formerly Invitae), Labcorp
Classification: Uncertain significance for Familial cancer of breast. Last evaluated: 2023-09-12. Review status: criteria provided, single submitter. Criteria: Invitae Variant Classification Sherloc (09022015). Collection method: clinical testing. Allele origin: germline.
Comment: In summary, the available evidence is currently insufficient to determine the role of this variant in disease. Therefore, it has been classified as a Variant of Uncertain Significance. Variants that disrupt the consensus splice site are a relatively common cause of aberrant splicing (PMID: 17576681, 9536098). Algorithms developed to predict the effect of sequence changes on RNA splicing suggest that this variant may disrupt the consensus splice site. This sequence change falls in intron 13 of the CHEK2 gene. It does not directly change the encoded amino acid sequence of the CHEK2 protein. It affects a nucleotide within the consensus splice site. This variant is not present in population databases (gnomAD no frequency). This variant has not been reported in the literature in individuals affected with CHEK2-related conditions. ClinVar contains an entry for this variant (Variation ID: 951515).

Literature cited by the submitters: PubMed 17576681; PubMed 9536098.

NM_007194.4(CHEK2):c.1461+6T>A

Gene: CHEK2 (checkpoint kinase 2; minus strand). Cytogenetic location: 22q12.1.
Variant type: single nucleotide variant.
Coding change: c.1461+6T>A on transcript NM_007194.4 (MANE Select); 6 bases into the intron after coding-DNA position 1461, T replaced by A.
Molecular consequence: intron variant.
Genome position (GRCh38, 1-based): chr22:28,694,026, A>T on the plus strand (T>A on the coding strand, the complement: CHEK2 is on the minus strand). VCF-style: chr22-28694026-A-T. GRCh37 (hg19) VCF-style: chr22-29090014-A-T.
Other names: c.798+6T>A (NM_001437942.1, NM_001257387.3); c.1260+6T>A (NM_001349956.3); c.1374+6T>A (NM_145862.3); c.1467+6T>A (NM_001438295.1); c.1554+6T>A (NM_001438293.1); c.1503+6T>A (NM_001438294.1); c.1590+6T>A (NM_001005735.3).
Identifiers: ClinVar variation 951515 (VCV000951515.10), dbSNP rs1064795915, ClinGen allele CA1139667013.
Genomic context (GRCh38, chr22:28,694,026, plus strand): 5'-CTCATGTCTCTCAGGCAGCAGGGCTTCCCATGTATTTTATGCTAGCAGGCACTGTCCCAC[A>T]CCCACCTGAAGCCACGGGTGTCTTAAGGCTTCTTCTGTCGTAAAACGTGCCTTTGGATCC-3'